The following is an entry in ClinVar:

ClinVar aggregate classification (germline): Conflicting classifications of pathogenicity. Review status: criteria provided, conflicting classifications (1 of 4 stars). 2 submissions from 2 submitters: Pathogenic (1); Uncertain significance (1). Last evaluated 2026-05-15.

Conditions:
Cystic fibrosis (CF). Also called: MUCOVISCIDOSIS. Identifiers: Orphanet 586, MedGen C0010674, MONDO:0009061, OMIM 219700. Disease mechanism: loss of function.

Submissions (2):

Ambry Genetics
Classification: Pathogenic for Cystic fibrosis. Last evaluated: 2026-05-15. Review status: criteria provided, single submitter. Criteria: Ambry Variant Classification Scheme 2023. Collection method: clinical testing. Allele origin: germline.
Comment: The p.T360K pathogenic mutation (also known as c.1079C>A), located in coding exon 8 of the CFTR gene, results from a C to A substitution at nucleotide position 1079. The threonine at codon 360 is replaced by lysine, an amino acid with similar properties. This alteration is often described as a part of the complex allele: p.[Q359K;T360K]. p.[Q359K;T360K] has been identified in the homozygous state and/or in conjunction with other CFTR variant(s) in individual(s) with features consistent with cystic fibrosis (Shoshani T et al. Genomics, 1993 Jan;15:236-7; Petrova NV et al. Clin Genet, 2019 Mar;95:444-447). p.[Q359K;T360K] has been reported in multiple individuals with an elevated sweat chloride level in The Clinical and Functional TRanslation of CFTR (CFTR2) database (available at CFTR2. Accessed 05/14/2026). In an assay testing CFTR function, p.[Q359K;T360K] showed a functionally abnormal result (Bihler H et al. J Cyst Fibros, 2024 Jul;23:664-675). This amino acid position is not well conserved in available vertebrate species. In addition, the in silico prediction for this alteration is inconclusive. This variant is considered to be rare based on population cohorts in the Genome Aggregation Database (gnomAD). Based on the supporting evidence, this variant is interpreted as a disease-causing mutation.

Women's Health and Genetics/Laboratory Corporation of America, LabCorp
Classification: Uncertain significance. Last evaluated: 2021-02-23. Review status: criteria provided, single submitter. Criteria: LabCorp Variant Classification Summary - May 2015. Collection method: clinical testing. Allele origin: germline.
Comment: Variant summary: CFTR c.1079C>A (p.Thr360Lys) results in a non-conservative amino acid change in the encoded protein sequence. Three of five in-silico tools predict a damaging effect of the variant on protein function. The variant was absent in 251008 control chromosomes. The available data on variant occurrences in the general population are insufficient to allow any conclusion about variant significance. To our knowledge, c.1079C>A has not been reported in isolation in literature among individuals affected with Cystic Fibrosis. It has however been observed as part of a multinucleotide variation, that is variably annotated either as Q359K/T360K, p.[Gln359Lys;Thr360Lys], c.[1075C>A;1079C>A], or c.1075_1079delCAAACinsAAAAA or p.Gln359_Thr360delinsLysLys (example, Shoshani_1993, Wilschanski_1999, Bobadilla_2002, Sugarman_2004, Heim_2004, Chevalier-Porst_1994, Heim_2001, Petreska_1998, Schrijver_2005, Sosnay_2013, Castellani_2008, Petrova_2020). These report(s) do not provide unequivocal conclusions about association of the variant in isolation with Cystic Fibrosis. At least one publication reports experimental evidence evaluating an impact on protein function, however, does not allow convincing conclusions about the variant effect in isolation (Sosnay_2013). No clinical diagnostic laboratories have submitted clinical-significance assessments for this variant to ClinVar after 2014. Based on the evidence outlined above, the variant in isolation was classified as uncertain significance.

Literature cited by the submitters: PubMed 30548586 (cited by Ambry Genetics); PubMed 38388235 (cited by Ambry Genetics); PubMed 7679367 (cited by Ambry Genetics and Women's Health and Genetics/Laboratory Corporation of America, LabCorp); PubMed 9917439 (cited by Women's Health and Genetics/Laboratory Corporation of America, LabCorp); PubMed 15371903 (cited by Women's Health and Genetics/Laboratory Corporation of America, LabCorp); PubMed 7539210 (cited by Women's Health and Genetics/Laboratory Corporation of America, LabCorp); PubMed 7525963 (cited by Women's Health and Genetics/Laboratory Corporation of America, LabCorp); PubMed 16049310 (cited by Women's Health and Genetics/Laboratory Corporation of America, LabCorp); PubMed 12151438 (cited by Women's Health and Genetics/Laboratory Corporation of America, LabCorp); PubMed 12007216 (cited by Women's Health and Genetics/Laboratory Corporation of America, LabCorp); PubMed 9788722 (cited by Women's Health and Genetics/Laboratory Corporation of America, LabCorp); PubMed 18456578 (cited by Women's Health and Genetics/Laboratory Corporation of America, LabCorp); PubMed 11388756 (cited by Women's Health and Genetics/Laboratory Corporation of America, LabCorp); PubMed 23974870 (cited by Women's Health and Genetics/Laboratory Corporation of America, LabCorp); PubMed 32429104 (cited by Women's Health and Genetics/Laboratory Corporation of America, LabCorp).

NM_000492.4(CFTR):c.1079C>A (p.Thr360Lys)

Gene: CFTR (CF transmembrane conductance regulator; plus strand). Cytogenetic location: 7q31.2.
Variant type: single nucleotide variant.
Coding change: c.1079C>A on transcript NM_000492.4 (MANE Select); coding-DNA position 1079, C replaced by A.
Protein change: p.Thr360Lys; replaces threonine 360 with lysine.
Molecular consequence: missense variant.
Genome position (GRCh38, 1-based): chr7:117,540,309, C>A. VCF-style: chr7-117540309-C-A. GRCh37 (hg19) VCF-style: chr7-117180363-C-A.
Other names: short protein forms T360K.
Identifiers: ClinVar variation 440459 (VCV000440459.5), dbSNP rs75053309, ClinGen allele CA353710.
Genomic context (GRCh38, chr7:117,540,309, plus strand): 5'-TCTCATTCTGCATTGTTCTGCGCATGGCGGTCACTCGGCAATTTCCCTGGGCTGTACAAA[C>A]ATGGTATGACTCTCTTGGAGCAATAAACAAAATACAGGTAATGTACCATAATGCTGCATT-3'
Protein context (NP_000483.3, residues 350-370): VTRQFPWAVQ[Thr360Lys]WYDSLGAINK